The following continues an entry in ClinVar:

NM_000341.4(SLC3A1):c.1400T>C (p.Met467Thr)

Gene: SLC3A1. ClinVar aggregate classification (germline): Pathogenic/Likely pathogenic. Pathogenic (25); Likely pathogenic (5).

Submissions 11 to 20 of 36:

Victorian Clinical Genetics Services, Murdoch Childrens Research Institute
Classification: Pathogenic for Cystinuria. Last evaluated: 2024-10-10. Review status: criteria provided, single submitter. Criteria: ACMG Guidelines, 2015. Collection method: clinical testing. Allele origin: germline. Affected: yes.
Comment: Based on the classification scheme VCGS_Germline_v1.3.4, this variant is classified as Pathogenic. Following criteria are met: 0102 - Loss of function is a known mechanism of disease in this gene and is associated with cystinuria (MIM#220100). (I) 0108 - This gene is associated with both recessive and dominant disease. Although predominantly associated with recessive disease, there are reports of affected carriers (PMID: 15635077, 25964309). (I) 0200 - Variant is predicted to result in a missense amino acid change from methionine to threonine. (I) 0251 - Variant is heterozygous. (I) 0304 - Variant is present in gnomAD (v2) <0.01 for a recessive condition (674 heterozygotes, 4 homozygotes). (SP) 0309 - An alternative amino acid change at the same position has been observed in gnomAD (v2) (21 heterozygotes, 1 homozygote). (I) 0502 - Missense variant with conflicting in silico predictions and uninformative conservation. (I) 0600 - Variant is located in the annotated Alpha amylase catalytic domain or motif (NCBI). (I) 0801 - This variant has strong previous evidence of pathogenicity in unrelated individuals. This variant is reported as a common pathogenic variant in patients with cystinuria (ClinVar, PMID: 8054986, 25964309). (SP) 1208 - Inheritance information for this variant is not currently available in this individual. (I) Legend: (SP) - Supporting pathogenic, (I) - Information, (SB) - Supporting benign

Revvity Omics, Revvity
Classification: Pathogenic for Cystinuria. Last evaluated: 2024-09-16. Review status: criteria provided, single submitter. Criteria: ACMG Guidelines, 2015. Collection method: clinical testing. Allele origin: germline.

Ambry Genetics
Classification: Pathogenic for Inborn genetic diseases. Last evaluated: 2024-03-13. Review status: criteria provided, single submitter. Criteria: Ambry Variant Classification Scheme 2023. Collection method: clinical testing. Allele origin: germline.
Comment: The c.1400T>C (p.M467T) alteration is located in exon 8 (coding exon 8) of the SLC3A1 gene. This alteration results from a T to C substitution at nucleotide position 1400, causing the methionine (M) at amino acid position 467 to be replaced by a threonine (T). Based on data from gnomAD, the C allele has an overall frequency of 0.241% (682/282552) total alleles studied. The highest observed frequency was 0.56% (58/10362) of Ashkenazi Jewish alleles. This is the most common alteration seen in individuals with cystinuria, accounting for approximately 30% of the known disease-causing alleles and detectable in nearly all ethnic groups (Eggermann, 2012). Numerous individuals affected with cystinuria and harboring this variant, in either the homozygous or compound heterozygous state, have been reported in the literature, and this alteration has been found to segregate with disease in multiple families (Calonge, 1994; Harnevik, 2001; Font-Llitjos, 2005; Halbritter, 2015; Rhodes, 2015). This amino acid position is well conserved in available vertebrate species. Functional studies of this variant, as well as a different variant at the same amino acid (p.M467K), have demonstrated that these alterations lead to delayed transport of the protein and failure to form functional heterotetramers (Calonge, 1994; Chillaron, 1997; Bartoccioni, 2008). This alteration is predicted to be deleterious by in silico analysis. Based on the available evidence, this alteration is classified as pathogenic.

Women's Health and Genetics/Laboratory Corporation of America, LabCorp
Classification: Pathogenic for Cystinuria. Last evaluated: 2024-02-27. Review status: criteria provided, single submitter. Criteria: LabCorp Variant Classification Summary - May 2015. Collection method: clinical testing. Allele origin: germline.
Comment: Variant summary: SLC3A1 c.1400T>C (p.Met467Thr) results in a non-conservative amino acid change located in the Glycosyl hydrolase, family 13, catalytic domain (IPR006047) of the encoded protein sequence. Four of five in-silico tools predict a damaging effect of the variant on protein function. The variant allele was found at a frequency of 0.0025 in 251156 control chromosomes in the gnomAD database, including 4 homozygotes. c.1400T>C has been reported in the literature in multiple individuals affected with Cystinuria in homozygous (examples: Calonge_1994, Tanzer_2007, Harnevik_2001), compound heterozygous (Harnevik_2001) and heterozygous state (examples: Tanzer_2007, Harnevik_2001). The variant also segregated with the disease (Calonge_1994). These data indicate that the variant is very likely to be associated with disease. Multiple studies have shown that this variant impairs normal transport activity of the protein (examples: Calonge_1994, Bartoccioni_2008). A different variant affecting this residue (c.1400T>A, p.Met467Lys) has been classified pathogenic in ClinVar (CV ID 18116). The following publications have been ascertained in the context of this evaluation (PMID: 18332091, 8054986, 17880288, 11748844). ClinVar contains an entry for this variant (Variation ID: 18115). Based on the evidence outlined above, the variant was classified as pathogenic.

ARUP Laboratories, Molecular Genetics and Genomics, ARUP Laboratories
Classification: Pathogenic for Cystinuria. Last evaluated: 2023-11-09. Review status: criteria provided, single submitter. Criteria: ARUP Molecular Germline Variant Investigation Process 2024. Collection method: clinical testing. Allele origin: germline.
Comment: The SLC3A1 c.1400T>C; p.Met467Thr variant (rs121912691), is the most common variant in the SLC3A1 gene, and is reported in the literature in the homozygous or compound heterozygous state in multiple individuals and families affected with cystinuria (Bisceglia 1996, Calonge 1994, Gucev 2011, Halbritter 2015, Popovska-Jankovic 2013, Tanzer 2006). This variant is reported as pathogenic by multiple laboratories in ClinVar (Variation ID: 18115), and is found in the general population with an overall allele frequency of 0.24% (682/282,552 alleles, including 4 homozygotes) in the Genome Aggregation Database. The methionine at codon 467 is highly conserved, but computational analyses (SIFT, PolyPhen-2) predict that this variant is tolerated. However, functional analyses of the p.Met467Thr variant protein shows mislocalization leading to decreased transport activity (Bartoccioni 2008, Calonge 1994, Chillaron 1997). Additionally, other variants at this codon (c.1399A>G, p.Met467Val; c.1400T>A, p.Met467Lys) have been reported in individuals with cystinuria and are considered pathogenic (Bisceglia 1996, Calonge 1994, Popovska-Jankovic 2013, Shen 2017). Based on available information, the p.Met467Thr variant is considered to be pathogenic. Pathogenic variants in SLC3A1 are associated with cystinuria (MIM: 220100); both autosomal dominant and autosomal recessive transmission has been reported. References: Bartoccioni P et al. Distinct classes of trafficking rBAT mutants cause the type I cystinuria phenotype. Hum Mol Genet. 2008 Jun 15;17(12):1845-54. Bisceglia L et al. Molecular analysis of the cystinuria disease gene: identification of four new mutations, one large deletion, and one polymorphism. Hum Genet. 1996 Oct;98(4):447-51. Calonge MJ et al. Cystinuria caused by mutations in rBAT, a gene involved in the transport of cystine. Nat Genet. 1994 Apr;6(4):420-5. Chillaron J et al. An intracellular trafficking defect in type I cystinuria rBAT mutants M467T and M467K. J Biol Chem. 1997 Apr 4;272(14):9543-9. Gucev Z et al. Cystinuria AA (B): digenic inheritance with three mutations in two cystinuria genes. J Genet. 2011 Apr;90(1):157-9. Halbritter J et al. Fourteen monogenic genes account for 15% of nephrolithiasis/nephrocalcinosis. J Am Soc Nephrol. 2015 Mar;26(3):543-51. Popovska-Jankovic K et al. Molecular characterization of cystinuria in south-eastern European countries. Urolithiasis. 2013 Feb;41(1):21-30. Shen L et al. Clinical and genetic characterization of Chinese pediatric cystine stone patients. J Pediatr Urol. 2017 Dec;13(6):629.e1-629.e5. Tanzer F et al. Analysis of a 1-year-old cystinuric patient with recurrent renal stones. Int J Urol. 2006 Oct;13(10):1347-9.

Rady Children's Institute for Genomic Medicine, Rady Children's Hospital San Diego
Classification: Pathogenic for CYSTINURIA. Last evaluated: 2023-10-11. Review status: criteria provided, single submitter. Criteria: ACMG Guidelines, 2015. Collection method: clinical testing. Allele origin: germline. Affected: yes.
Comment: The c.1400T>C (p.Met467Thr) variant affects a highly conserved amino acid; however, in silico tools used to predict the effect of this variant on protein function yield discordant results. This variant has been previously reported as a heterozygous, compound heterozygous, and homozygous change in patients with cystinuria (PMID: 8054986, 21677404, 25296721, 35753512, 12234283, 25964309). The c.1400T>C (p.Met467Thr) variant is located in the rBAT extracellular domain, which is a known hotspot domain for pathogenic variations associated with cystinuria (PMID: 18332091). Different amino acid changes at the same residue (p.Met467Ile, p.Met467Lys, p.Met467Val) have been previously reported in individuals with cystinuria (PMID: 35149915, 8054986, 33262960, 28689648). Functional studies demonstrated that the c.1400T>C (p.Met467Thr) variant results in impaired maturation and transport to the plasma membrane (PMID: 9083097, 18332091). The c.1400T>C (p.Met467Thr) variant is present in the gnomAD population database at a frequency of 0.2% (682/282552) in the heterozygous state and a frequency of 0.001% (4/282552) in the homozygous state. Based on the available evidence, c.1400T>C (p.Met467Thr) is classified as Pathogenic.

Mendelics
Classification: Pathogenic for Cystinuria. Last evaluated: 2022-05-04. Review status: criteria provided, single submitter. Criteria: Mendelics Assertion Criteria 2019. Collection method: clinical testing. Allele origin: germline.

MGZ Medical Genetics Center
Classification: Likely pathogenic for Cystinuria. Last evaluated: 2021-10-08. Review status: criteria provided, single submitter. Criteria: ACMG Guidelines, 2015. Collection method: clinical testing. Allele origin: germline. Affected: yes. Observed: 1 variant allele.
Comment: ACMG criteria applied: PS3, PM3, PP1, PP3, PP4

CENTOGENE GmbH and LLC - Guiding Precision Medicine
Classification: Pathogenic for Cystinuria. Last evaluated: 2021-07-05. Review status: criteria provided, single submitter. Criteria: ACMG Guidelines, 2015. Collection method: clinical testing. Allele origin: germline. Affected: yes.

Laboratorio de Genetica e Diagnostico Molecular, Hospital Israelita Albert Einstein
Classification: Pathogenic. Last evaluated: 2021-06-24. Review status: criteria provided, single submitter. Criteria: ACMG Guidelines, 2015. Collection method: clinical testing. Allele origin: germline. Affected: yes.
Comment: ACMG classification criteria: PS3, PM3, PP3